The following is an entry in ClinVar:

ClinVar aggregate classification (germline): Uncertain significance (1 of 4 stars; one submission).

Submission:

Labcorp Genetics (formerly Invitae), Labcorp
Classification: Uncertain significance. Last evaluated: 2021-07-07. Review status: criteria provided, single submitter. Criteria: Invitae Variant Classification Sherloc (09022015). Collection method: clinical testing. Allele origin: germline.
Comment: Nucleotide substitutions within the consensus splice site are a relatively common cause of aberrant splicing (PMID: 17576681, 9536098). Algorithms developed to predict the effect of sequence changes on RNA splicing suggest that this variant may disrupt the consensus splice site. This variant has not been reported in the literature in individuals affected with MSH3-related conditions. This variant is not present in population databases (ExAC no frequency). This sequence change falls in intron 5 of the MSH3 gene. It does not directly change the encoded amino acid sequence of the MSH3 protein. It affects a nucleotide within the consensus splice site of the intron. In summary, the available evidence is currently insufficient to determine the role of this variant in disease. Therefore, it has been classified as a Variant of Uncertain Significance.

Literature cited by the submitters: PubMed 17576681; PubMed 9536098.

NM_002439.5(MSH3):c.909+5G>T

Gene: MSH3 (mutS homolog 3; plus strand). Cytogenetic location: 5q14.1.
Variant type: single nucleotide variant.
Coding change: c.909+5G>T on transcript NM_002439.5 (MANE Select); 5 bases into the intron after coding-DNA position 909, G replaced by T.
Molecular consequence: intron variant.
Genome position (GRCh38, 1-based): chr5:80,672,365, G>T. VCF-style: chr5-80672365-G-T. GRCh37 (hg19) VCF-style: chr5-79968184-G-T.
Identifiers: ClinVar variation 1503829 (VCV001503829.6), dbSNP rs1236747422, ClinGen allele CA2573139886.
Genomic context (GRCh38, chr5:80,672,365, plus strand): 5'-TACCTACTCACAGACTGTTTGTTCATGTACGCCGCCTGGTGGCAAAAGGATATAAGGTCA[G>T]CTTTGGCTTTAACTTGTGGGGAAAGGAAATTGGGATTCTCCTCCAGAGAGTGCAAACGTG-3'